The following is an entry in ClinVar:

NM_000260.4(MYO7A):c.2572C>T (p.Arg858Cys)

Gene: MYO7A (myosin VIIA; plus strand). Cytogenetic location: 11q13.5.
Variant type: single nucleotide variant.
Coding change: c.2572C>T on transcript NM_000260.4 (MANE Select); coding-DNA position 2572, C replaced by T.
Protein change: p.Arg858Cys; replaces arginine 858 with cysteine.
Molecular consequence: missense variant.
Genome position (GRCh38, 1-based): chr11:77,179,939, C>T. VCF-style: chr11-77179939-C-T. GRCh37 (hg19) VCF-style: chr11-76890985-C-T.
Other names: c.2572C>T, p.Arg858Cys (NM_001127180.2); c.2539C>T, p.Arg847Cys (NM_001369365.1); c.2572C>T (NM_000260.3); short protein forms R858C, R847C.
Identifiers: ClinVar variation 195556 (VCV000195556.10), dbSNP rs797044681, ClinGen allele CA242022.

ClinVar aggregate classification (germline): Uncertain significance. Review status: criteria provided, multiple submitters, no conflicts (2 of 4 stars). 3 submissions from 3 submitters: Uncertain significance (3). Last evaluated 2024-12-14.

Conditions:
Inborn genetic diseases. Identifiers: MedGen C0950123, MeSH D030342.

Allele frequency attached by ClinVar (database versions not stated): TOPMed 0.00002; gnomAD 0.00003 and 0.00004; gnomAD exomes 0.00003 and 0.00004.

Submissions (3):

Ambry Genetics
Classification: Uncertain significance for Inborn genetic diseases. Last evaluated: 2024-12-14. Review status: criteria provided, single submitter. Criteria: Ambry Variant Classification Scheme 2023. Collection method: clinical testing. Allele origin: germline.

Labcorp Genetics (formerly Invitae), Labcorp
Classification: Uncertain significance. Last evaluated: 2022-07-09. Review status: criteria provided, single submitter. Criteria: Invitae Variant Classification Sherloc (09022015). Collection method: clinical testing. Allele origin: germline.
Comment: This sequence change replaces arginine, which is basic and polar, with cysteine, which is neutral and slightly polar, at codon 858 of the MYO7A protein (p.Arg858Cys). This variant is present in population databases (rs797044681, gnomAD 0.004%). This variant has not been reported in the literature in individuals affected with MYO7A-related conditions. ClinVar contains an entry for this variant (Variation ID: 195556). Algorithms developed to predict the effect of missense changes on protein structure and function are either unavailable or do not agree on the potential impact of this missense change (SIFT: "Deleterious"; PolyPhen-2: "Probably Damaging"; Align-GVGD: "Class C0"). Algorithms developed to predict the effect of sequence changes on RNA splicing suggest that this variant may create or strengthen a splice site. In summary, the available evidence is currently insufficient to determine the role of this variant in disease. Therefore, it has been classified as a Variant of Uncertain Significance.

Eurofins Ntd Llc (ga)
Classification: Uncertain significance. Last evaluated: 2014-11-21. Review status: criteria provided, single submitter. Criteria: EGL Classification Definitions 2015. Collection method: clinical testing. Allele origin: germline. Observed: 2 variant alleles, 2 heterozygotes.